The following is an entry in ClinVar:

NM_017433.5(MYO3A):c.254A>G (p.Tyr85Cys)

Gene: MYO3A (myosin IIIA; plus strand). Cytogenetic location: 10p12.1.
Variant type: single nucleotide variant.
Coding change: c.254A>G on transcript NM_017433.5 (MANE Select); coding-DNA position 254, A replaced by G.
Protein change: p.Tyr85Cys; replaces tyrosine 85 with cysteine.
Molecular consequence: missense variant.
Genome position (GRCh38, 1-based): chr10:25,954,959, A>G. VCF-style: chr10-25954959-A-G. GRCh37 (hg19) VCF-style: chr10-26243888-A-G.
Other names: c.254A>G, p.Tyr85Cys (NM_001368265.1); short protein forms Y85C.
Identifiers: ClinVar variation 2611329 (VCV002611329.3), dbSNP rs1471260922, ClinGen allele CA376331866.

ClinVar aggregate classification (germline): Uncertain significance. Review status: criteria provided, multiple submitters, no conflicts (2 of 4 stars). 2 submissions from 2 submitters: Uncertain significance (2). Last evaluated 2025-02-26.

Conditions:
Inborn genetic diseases. Identifiers: MedGen C0950123, MeSH D030342.

Allele frequency attached by ClinVar (database versions not stated): TOPMed 0.00001; gnomAD exomes below 0.00001; gnomAD 0.00001.
gnomAD v4.1: 5 of 1,612,940 alleles (0.00031%); highest among the groups gnomAD compares: Non-Finnish European, 0.00042%; no homozygotes.

Submissions (2):

Labcorp Genetics (formerly Invitae), Labcorp
Classification: Uncertain significance. Last evaluated: 2025-02-26. Review status: criteria provided, single submitter. Criteria: Invitae Variant Classification Sherloc (09022015). Collection method: clinical testing. Allele origin: germline.
Comment: This sequence change replaces tyrosine, which is neutral and polar, with cysteine, which is neutral and slightly polar, at codon 85 of the MYO3A protein (p.Tyr85Cys). This variant is not present in population databases (gnomAD no frequency). This variant has not been reported in the literature in individuals affected with MYO3A-related conditions. ClinVar contains an entry for this variant (Variation ID: 2611329). An algorithm developed to predict the effect of missense changes on protein structure and function (PolyPhen-2) suggests that this variant is likely to be disruptive. In summary, the available evidence is currently insufficient to determine the role of this variant in disease. Therefore, it has been classified as a Variant of Uncertain Significance.

Ambry Genetics
Classification: Uncertain significance for Inborn genetic diseases. Last evaluated: 2023-07-12. Review status: criteria provided, single submitter. Criteria: Ambry Variant Classification Scheme 2023. Collection method: clinical testing. Allele origin: germline.